The following is an entry in ClinVar:

ClinVar aggregate classification (germline): Uncertain significance. Review status: criteria provided, multiple submitters, no conflicts (2 of 4 stars). 2 submissions from 2 submitters: Uncertain significance (2). Last evaluated 2025-03-28.

Conditions:
Ataxia-telangiectasia syndrome (AT). Also called: Ataxia-telangiectasia, complementation group D; AT, COMPLEMENTATION GROUP C; ATAXIA-TELANGIECTASIA, COMPLEMENTATION GROUP A; ATAXIA-TELANGIECTASIA, FRESNO VARIANT; Ataxia-telangiectasia; LOUIS-BAR SYNDROME. Identifiers: Orphanet 100, MedGen C0004135, MONDO:0008840, OMIM 208900.
Hereditary cancer-predisposing syndrome. Also called: Tumor predisposition; Hereditary neoplastic syndrome; Neoplastic Syndromes, Hereditary; Hereditary Cancer Syndrome. Identifiers: Orphanet 140162, MedGen C0027672, MeSH D009386, MONDO:0015356.

Allele frequency attached by ClinVar (database versions not stated): gnomAD exomes below 0.00001.
gnomAD v4.1: 1 of 1,612,104 alleles (0.000062%); highest among the groups gnomAD compares: Non-Finnish European, 0.000085%; no homozygotes.

Submissions (2):

Ambry Genetics
Classification: Uncertain significance for Hereditary cancer-predisposing syndrome. Last evaluated: 2025-03-28. Review status: criteria provided, single submitter. Criteria: Ambry Variant Classification Scheme 2023. Collection method: clinical testing. Allele origin: germline.
Comment: The p.D2085H variant (also known as c.6253G>C), located in coding exon 42 of the ATM gene, results from a G to C substitution at nucleotide position 6253. The aspartic acid at codon 2085 is replaced by histidine, an amino acid with similar properties. This amino acid position is conserved. In addition, this alteration is predicted to be tolerated by in silico analysis. Based on the available evidence, the clinical significance of this variant remains unclear.

Labcorp Genetics (formerly Invitae), Labcorp
Classification: Uncertain significance for Ataxia-telangiectasia syndrome. Last evaluated: 2018-11-01. Review status: criteria provided, single submitter. Criteria: Invitae Variant Classification Sherloc (09022015). Collection method: clinical testing. Allele origin: germline.
Comment: In summary, the available evidence is currently insufficient to determine the role of this variant in disease. Therefore, it has been classified as a Variant of Uncertain Significance. Algorithms developed to predict the effect of missense changes on protein structure and function are either unavailable or do not agree on the potential impact of this missense change (SIFT: "Deleterious"; PolyPhen-2: "Benign"; Align-GVGD: "Class C0"). This variant has not been reported in the literature in individuals with ATM-related disease. This variant is not present in population databases (ExAC no frequency). This sequence change replaces aspartic acid with histidine at codon 2085 of the ATM protein (p.Asp2085His). The aspartic acid residue is weakly conserved and there is a moderate physicochemical difference between aspartic acid and histidine.

NM_000051.4(ATM):c.6253G>C (p.Asp2085His)

Genes: ATM (ATM serine/threonine kinase; plus strand), C11orf65 (chromosome 11 open reading frame 65; minus strand). Cytogenetic location: 11q22.3.
Variant type: single nucleotide variant.
Coding change: c.6253G>C on transcript NM_000051.4 (MANE Select); coding-DNA position 6253, G replaced by C.
Protein change: p.Asp2085His; replaces aspartic acid 2085 with histidine.
Molecular consequence: missense variant. On other transcripts: intron variant (2).
Genome position (GRCh38, 1-based): chr11:108,317,427, G>C. VCF-style: chr11-108317427-G-C. GRCh37 (hg19) VCF-style: chr11-108188154-G-C.
Other names: c.6253G>C, p.Asp2085His (NM_001351834.2); c.641-8356C>G (NM_001330368.2); c.*39-8356C>G (NM_001351110.2); short protein forms D2085H.
Identifiers: ClinVar variation 663898 (VCV000663898.10), dbSNP rs730881379, ClinGen allele CA382551842.